The following is an entry in ClinVar:

NM_147127.5(EVC2):c.2830-260A>G

Gene: EVC2 (EvC ciliary complex subunit 2; minus strand). Cytogenetic location: 4p16.2.
Variant type: single nucleotide variant.
Coding change: c.2830-260A>G on transcript NM_147127.5 (MANE Select); 260 bases into the intron before coding-DNA position 2830, A replaced by G.
Molecular consequence: intron variant.
Genome position (GRCh38, 1-based): chr4:5,585,110, T>C on the plus strand (A>G on the coding strand, the complement: EVC2 is on the minus strand). VCF-style: chr4-5585110-T-C. GRCh37 (hg19) VCF-style: chr4-5586837-T-C.
Other names: c.2590-260A>G (NM_001166136.2).
Identifiers: ClinVar variation 673041 (VCV000673041.1), dbSNP rs115587647, ClinGen allele CA91704619.

ClinVar aggregate classification (germline): Likely benign (1 of 4 stars; one submission).

Allele frequency attached by ClinVar (database versions not stated): gnomAD 0.00566 and 0.00593; TOPMed 0.00659; 1000 Genomes Project 0.00879; 1000 Genomes Project 30x 0.00937.
gnomAD v4.1: 849 of 152,242 alleles (0.56%); highest among the groups gnomAD compares: African/African-American, 1.9%; 5 homozygotes.

Submission:

GeneDx
Classification: Likely benign. Last evaluated: 2018-06-14. Review status: criteria provided, single submitter. Criteria: GeneDx Variant Classification (06012015). Collection method: clinical testing. Allele origin: germline. Affected: yes.
Comment: This variant is considered likely benign or benign based on one or more of the following criteria: it is a conservative change, it occurs at a poorly conserved position in the protein, it is predicted to be benign by multiple in silico algorithms, and/or has population frequency not consistent with disease.